The following is an entry in ClinVar:

ClinVar aggregate classification (germline): Uncertain significance. Review status: criteria provided, multiple submitters, no conflicts (2 of 4 stars). 2 submissions from 2 submitters: Uncertain significance (2). Last evaluated 2024-08-07.

Conditions:
Myopathy, proximal, and ophthalmoplegia (CMYO6). Also called: MYOPATHY WITH CONGENITAL JOINT CONTRACTURES, OPHTHALMOPLEGIA, AND RIMMED VACUOLES; INCLUSION BODY MYOPATHY 3, AUTOSOMAL DOMINANT; CONGENITAL MYOPATHY 6 WITH OPHTHALMOPLEGIA. Identifiers: Orphanet 363677, Orphanet 79091, MedGen C1854106, MONDO:0011577, OMIM 605637.

Submissions (2):

GeneDx
Classification: Uncertain significance. Last evaluated: 2024-08-07. Review status: criteria provided, single submitter. Criteria: GeneDx Variant Classification Process June 2021. Collection method: clinical testing. Allele origin: germline. Affected: yes.
Comment: Not observed at significant frequency in large population cohorts (gnomAD); In silico analysis supports that this missense variant has a deleterious effect on protein structure/function; Has not been previously published as pathogenic or benign to our knowledge

Labcorp Genetics (formerly Invitae), Labcorp
Classification: Uncertain significance for Myopathy, proximal, and ophthalmoplegia. Last evaluated: 2023-10-15. Review status: criteria provided, single submitter. Criteria: Invitae Variant Classification Sherloc (09022015). Collection method: clinical testing. Allele origin: germline.
Comment: This sequence change replaces glutamine, which is neutral and polar, with arginine, which is basic and polar, at codon 1376 of the MYH2 protein (p.Gln1376Arg). This variant is not present in population databases (gnomAD no frequency). This variant has not been reported in the literature in individuals affected with MYH2-related conditions. Advanced modeling of protein sequence and biophysical properties (such as structural, functional, and spatial information, amino acid conservation, physicochemical variation, residue mobility, and thermodynamic stability) performed at Invitae indicates that this missense variant is expected to disrupt MYH2 protein function. In summary, the available evidence is currently insufficient to determine the role of this variant in disease. Therefore, it has been classified as a Variant of Uncertain Significance.

NM_017534.6(MYH2):c.4127A>G (p.Gln1376Arg)

Genes: MYH2 (myosin heavy chain 2; minus strand), MYHAS (myosin heavy chain gene cluster antisense RNA; plus strand). Cytogenetic location: 17p13.1.
Variant type: single nucleotide variant.
Coding change: c.4127A>G on transcript NM_017534.6 (MANE Select); coding-DNA position 4127, A replaced by G.
Protein change: p.Gln1376Arg; replaces glutamine 1376 with arginine.
Molecular consequence: missense variant.
Genome position (GRCh38, 1-based): chr17:10,526,659, T>C on the plus strand (A>G on the coding strand, the complement: MYH2 is on the minus strand). VCF-style: chr17-10526659-T-C. GRCh37 (hg19) VCF-style: chr17-10429976-T-C.
Other names: c.4127A>G, p.Gln1376Arg (NM_001100112.2); c.4127A>G (NM_017534.5); short protein forms Q1376R.
Identifiers: ClinVar variation 2711955 (VCV002711955.4), dbSNP rs2508420510, ClinGen allele CA398127390.